The following is an entry in ClinVar:

ClinVar aggregate classification (germline): Uncertain significance. Review status: criteria provided, multiple submitters, no conflicts (2 of 4 stars). 2 submissions from 2 submitters: Uncertain significance (2). Last evaluated 2025-05-19.

Conditions:
Hereditary cancer-predisposing syndrome. Also called: Neoplastic Syndromes, Hereditary; Tumor predisposition; Hereditary Cancer Syndrome; Hereditary neoplastic syndrome. Identifiers: Orphanet 140162, MedGen C0027672, MeSH D009386, MONDO:0015356.
Rhabdoid tumor predisposition syndrome 2 (RTPS2). Identifiers: Orphanet 231108, Orphanet 69077, MedGen C2750074, MONDO:0013224, OMIM 613325.

Allele frequency attached by ClinVar (database versions not stated): gnomAD exomes below 0.00001.
gnomAD v4.1: 1 of 1,614,162 alleles (0.000062%); highest among the groups gnomAD compares: Non-Finnish European, 0.000085%; no homozygotes.

Submissions (2):

Labcorp Genetics (formerly Invitae), Labcorp
Classification: Uncertain significance for Rhabdoid tumor predisposition syndrome 2. Last evaluated: 2025-05-19. Review status: criteria provided, single submitter. Criteria: Invitae Variant Classification Sherloc (09022015). Collection method: clinical testing. Allele origin: germline.
Comment: This sequence change falls in intron 10 of the SMARCA4 gene. It does not directly change the encoded amino acid sequence of the SMARCA4 protein. It affects a nucleotide within the consensus splice site. This variant is not present in population databases (gnomAD no frequency). This variant has not been reported in the literature in individuals affected with SMARCA4-related conditions. ClinVar contains an entry for this variant (Variation ID: 1779580). Variants that disrupt the consensus splice site are a relatively common cause of aberrant splicing (PMID: 17576681, 9536098). Algorithms developed to predict the effect of sequence changes on RNA splicing suggest that this variant is not likely to affect RNA splicing. In summary, the available evidence is currently insufficient to determine the role of this variant in disease. Therefore, it has been classified as a Variant of Uncertain Significance.

Ambry Genetics
Classification: Uncertain significance for Hereditary cancer-predisposing syndrome. Last evaluated: 2020-11-18. Review status: criteria provided, single submitter. Criteria: Ambry Variant Classification Scheme 2023. Collection method: clinical testing. Allele origin: germline.
Comment: The c.1761+4T>A intronic variant results from a T to A substitution 4 nucleotides after coding exon 9 in the SMARCA4 gene. This nucleotide position is poorly conserved in available vertebrate species. In silico splice site analysis predicts that this alteration will not have any significant effect on splicing. Since supporting evidence is limited at this time, the clinical significance of this alteration remains unclear.

Literature cited by the submitters: PubMed 17576681 (cited by Labcorp Genetics (formerly Invitae), Labcorp); PubMed 9536098 (cited by Labcorp Genetics (formerly Invitae), Labcorp).

NM_003072.5(SMARCA4):c.1761+4T>A

Gene: SMARCA4 (SWI/SNF related BAF chromatin remodeling complex subunit ATPase 4; plus strand). Cytogenetic location: 19p13.2.
Variant type: single nucleotide variant.
Coding change: c.1761+4T>A on transcript NM_003072.5 (MANE Select); 4 bases into the intron after coding-DNA position 1761, T replaced by A.
Molecular consequence: intron variant.
Genome position (GRCh38, 1-based): chr19:10,996,384, T>A. VCF-style: chr19-10996384-T-A. GRCh37 (hg19) VCF-style: chr19-11107060-T-A.
Other names: c.1761+4T>A (NM_001128844.3, NM_001128849.3, NM_001128847.4 and 5 more transcripts).
Identifiers: ClinVar variation 1779580 (VCV001779580.3), dbSNP rs2145974729, ClinGen allele CA2580096242.
Genomic context (GRCh38, chr19:10,996,384, plus strand): 5'-CGGCAGCACAAGGCTGCCCAGGTCGCCAAGGAGAAAAAGAAGAAAAAGAAAAAGAAGGTG[T>A]GCTGGGCCTGGCATGGTGCCCGCCGCGGGTGGGATGGGAGCAGCCGTCTTCACGTGTGTG-3'